The following is an entry in ClinVar:

ClinVar aggregate classification (germline): Pathogenic (1 of 4 stars; one submission).

Submission:

Labcorp Genetics (formerly Invitae), Labcorp
Classification: Pathogenic. Last evaluated: 2022-01-14. Review status: criteria provided, single submitter. Criteria: Invitae Variant Classification Sherloc (09022015). Collection method: clinical testing. Allele origin: germline.
Comment: For these reasons, this variant has been classified as Pathogenic. This variant has not been reported in the literature in individuals affected with ABCA4-related conditions. This variant is not present in population databases (gnomAD no frequency). This sequence change creates a premature translational stop signal (p.Gly1398Alafs*6) in the ABCA4 gene. It is expected to result in an absent or disrupted protein product. Loss-of-function variants in ABCA4 are known to be pathogenic (PMID: 10958761, 24938718, 25312043, 26780318).

Literature cited by the submitters: PubMed 10958761; PubMed 24938718; PubMed 25312043; PubMed 26780318.

NM_000350.3(ABCA4):c.4193del (p.Gly1398fs)

Gene: ABCA4 (ATP binding cassette subfamily A member 4; minus strand). Cytogenetic location: 1p22.1.
Variant type: Deletion.
Coding change: c.4193del on transcript NM_000350.3 (MANE Select); coding-DNA position 4193, one base deleted (G; older notation c.4193delG).
Protein change: p.Gly1398fs; shifts the reading frame from glycine 1398.
Molecular consequence: frameshift variant.
Genome position (GRCh38, 1-based): chr1:94,031,056, C deleted on the plus strand (G on the coding strand, the reverse complement: ABCA4 is on the minus strand); the first of 2 consecutive C bases (chr1:94,031,056-94,031,057); deleting either gives the same sequence. VCF-style (leftmost placement, unchanged base first): chr1-94031055-GC-G. GRCh37 (hg19) VCF-style: chr1-94496611-GC-G.
Other names: c.3970delG, p.Gly1324Alafs (NM_001425324.1); short protein forms G1398fs.
Identifiers: ClinVar variation 2082315 (VCV002082315.4), dbSNP rs2523729277, ClinGen allele CA2580063385.
Genomic context (GRCh38, chr1:94,031,055, plus strand): 5'-CCTGAAGAAGGTGTACTGCTGCCCATATATCCAGGGGTGAAGGGTCAAAGCGGGGTATTC[GC>G]CAAAAGGAGGGATAACAATAGAAAGCATCAGAGCCAAAAACACAAAGGTAGCCGGGAGCA-3'